The following is an entry in ClinVar:

ClinVar aggregate classification (germline): Uncertain significance (1 of 4 stars; one submission).

Conditions:
Colorectal cancer, susceptibility to, 12 (CRCS12). Also called: COLORECTAL CANCER, SUSCEPTIBILITY TO, ON CHROMOSOME 12q24. Identifiers: Orphanet 220460, MedGen C3554460, MONDO:0014038, OMIM 615083.

Allele frequency attached by ClinVar (database versions not stated): gnomAD exomes below 0.00001.
gnomAD v4.1: 1 of 1,614,120 alleles (0.000062%); highest among the groups gnomAD compares: Non-Finnish European, 0.000085%; no homozygotes.

Submission:

Labcorp Genetics (formerly Invitae), Labcorp
Classification: Uncertain significance for Colorectal cancer, susceptibility to, 12. Last evaluated: 2022-07-19. Review status: criteria provided, single submitter. Criteria: Invitae Variant Classification Sherloc (09022015). Collection method: clinical testing. Allele origin: germline.
Comment: This sequence change replaces tyrosine, which is neutral and polar, with histidine, which is basic and polar, at codon 1813 of the POLE protein (p.Tyr1813His). This variant is present in population databases (no rsID available, gnomAD 0.0009%). This variant has not been reported in the literature in individuals affected with POLE-related conditions. ClinVar contains an entry for this variant (Variation ID: 1019350). Algorithms developed to predict the effect of missense changes on protein structure and function (SIFT, PolyPhen-2, Align-GVGD) all suggest that this variant is likely to be tolerated. In summary, the available evidence is currently insufficient to determine the role of this variant in disease. Therefore, it has been classified as a Variant of Uncertain Significance.

NM_006231.4(POLE):c.5437T>C (p.Tyr1813His)

Gene: POLE (DNA polymerase epsilon, catalytic subunit; minus strand). Cytogenetic location: 12q24.33.
Variant type: single nucleotide variant.
Coding change: c.5437T>C on transcript NM_006231.4 (MANE Select); coding-DNA position 5437, T replaced by C.
Protein change: p.Tyr1813His; replaces tyrosine 1813 with histidine.
Molecular consequence: missense variant.
Genome position (GRCh38, 1-based): chr12:132,639,240, A>G on the plus strand (T>C on the coding strand, the complement: POLE is on the minus strand). VCF-style: chr12-132639240-A-G. GRCh37 (hg19) VCF-style: chr12-133215826-A-G.
Other names: short protein forms Y1813H.
Identifiers: ClinVar variation 1019350 (VCV001019350.6), dbSNP rs1180742425, ClinGen allele CA387374849.